The following is an entry in ClinVar:

ClinVar aggregate classification (germline): Uncertain significance. Review status: criteria provided, multiple submitters, no conflicts (2 of 4 stars). 3 submissions from 3 submitters: Uncertain significance (3). Last evaluated 2026-05-23.

Conditions:
Inborn genetic diseases. Identifiers: MedGen C0950123, MeSH D030342.

Allele frequency attached by ClinVar (database versions not stated): gnomAD exomes below 0.00001; TOPMed below 0.00001.
gnomAD v4.1: 1 of 1,613,834 alleles (0.000062%); highest among the groups gnomAD compares: Admixed American, 0.0017%; no homozygotes.

Submissions (3):

Ambry Genetics
Classification: Uncertain significance for Inborn genetic diseases. Last evaluated: 2026-05-23. Review status: criteria provided, single submitter. Criteria: Ambry Variant Classification Scheme 2023. Collection method: clinical testing. Allele origin: germline.

Labcorp Genetics (formerly Invitae), Labcorp
Classification: Uncertain significance. Last evaluated: 2024-11-05. Review status: criteria provided, single submitter. Criteria: Invitae Variant Classification Sherloc (09022015). Collection method: clinical testing. Allele origin: germline.
Comment: This sequence change replaces valine, which is neutral and non-polar, with methionine, which is neutral and non-polar, at codon 26 of the TNFRSF11A protein (p.Val26Met). This variant is not present in population databases (gnomAD no frequency). This variant has not been reported in the literature in individuals affected with TNFRSF11A-related conditions. ClinVar contains an entry for this variant (Variation ID: 1988790). An algorithm developed to predict the effect of missense changes on protein structure and function outputs the following: PolyPhen-2: "Not Available". The methionine amino acid residue is found in multiple mammalian species, which suggests that this missense change does not adversely affect protein function. In summary, the available evidence is currently insufficient to determine the role of this variant in disease. Therefore, it has been classified as a Variant of Uncertain Significance.

Revvity Omics, Revvity
Classification: Uncertain significance. Last evaluated: 2024-04-02. Review status: criteria provided, single submitter. Criteria: ACMG Guidelines, 2015. Collection method: clinical testing. Allele origin: germline.

NM_003839.4(TNFRSF11A):c.76G>A (p.Val26Met)

Gene: TNFRSF11A (TNF receptor superfamily member 11a; plus strand). Cytogenetic location: 18q21.33.
Variant type: single nucleotide variant.
Coding change: c.76G>A on transcript NM_003839.4 (MANE Select); coding-DNA position 76, G replaced by A.
Protein change: p.Val26Met; replaces valine 26 with methionine.
Molecular consequence: missense variant.
Genome position (GRCh38, 1-based): chr18:62,348,168, G>A. VCF-style: chr18-62348168-G-A. GRCh37 (hg19) VCF-style: chr18-60015401-G-A.
Other names: c.76G>A, p.Val26Met (NM_001270949.2, NM_001270950.2, NM_001270951.2 and 1 more transcripts); short protein forms V26M.
Identifiers: ClinVar variation 1988790 (VCV001988790.6), dbSNP rs2046413089, ClinGen allele CA402609668.